The following is an entry in ClinVar:

NM_000238.4(KCNH2):c.716C>T (p.Ser239Phe)

Gene: KCNH2 (potassium voltage-gated channel subfamily H member 2; minus strand). Cytogenetic location: 7q36.1.
Variant type: single nucleotide variant.
Coding change: c.716C>T on transcript NM_000238.4 (MANE Select); coding-DNA position 716, C replaced by T.
Protein change: p.Ser239Phe; replaces serine 239 with phenylalanine.
Molecular consequence: missense variant. On other transcripts: non-coding transcript variant (1).
Genome position (GRCh38, 1-based): chr7:150,958,259, G>A on the plus strand (C>T on the coding strand, the complement: KCNH2 is on the minus strand). VCF-style: chr7-150958259-G-A. GRCh37 (hg19) VCF-style: chr7-150655347-G-A.
Other names: c.428C>T, p.Ser143Phe (NM_001406753.1, NM_001406756.1); c.539C>T, p.Ser180Phe (NM_001406755.1); c.416C>T, p.Ser139Phe (NM_001406757.1); c.716C>T, p.Ser239Phe (NM_172056.3); short protein forms S139F, S143F, S180F, S239F.
Identifiers: ClinVar variation 3729862 (VCV003729862.2).

ClinVar aggregate classification (germline): Uncertain significance (1 of 4 stars; one submission).

Conditions:
Long QT syndrome (LQTS). Identifiers: MedGen C0023976, MeSH D008133, MONDO:0002442. Disease mechanism: loss of function. Inheritance: Various modes of inheritance.

gnomAD v4.1: 2 of 1,434,370 alleles (0.00014%); highest among the groups gnomAD compares: Non-Finnish European, 0.00018%; no homozygotes.

Submission:

Labcorp Genetics (formerly Invitae), Labcorp
Classification: Uncertain significance for Long QT syndrome. Last evaluated: 2024-05-26. Review status: criteria provided, single submitter. Criteria: Invitae Variant Classification Sherloc (09022015). Collection method: clinical testing. Allele origin: germline.
Comment: This sequence change replaces serine, which is neutral and polar, with phenylalanine, which is neutral and non-polar, at codon 239 of the KCNH2 protein (p.Ser239Phe). This variant is not present in population databases (gnomAD no frequency). This variant has not been reported in the literature in individuals affected with KCNH2-related conditions. An algorithm developed to predict the effect of missense changes on protein structure and function (PolyPhen-2) suggests that this variant is likely to be tolerated. In summary, the available evidence is currently insufficient to determine the role of this variant in disease. Therefore, it has been classified as a Variant of Uncertain Significance.